The following is an entry in ClinVar:

NM_001042681.2(RERE):c.3218C>T (p.Ala1073Val)

Gene: RERE (arginine-glutamic acid dipeptide repeats; minus strand). Cytogenetic location: 1p36.23.
Variant type: single nucleotide variant.
Coding change: c.3218C>T on transcript NM_001042681.2 (MANE Select); coding-DNA position 3218, C replaced by T.
Protein change: p.Ala1073Val; replaces alanine 1073 with valine.
Molecular consequence: missense variant.
Genome position (GRCh38, 1-based): chr1:8,360,289, G>A on the plus strand (C>T on the coding strand, the complement: RERE is on the minus strand). VCF-style: chr1-8360289-G-A. GRCh37 (hg19) VCF-style: chr1-8420349-G-A.
Other names: c.1556C>T, p.Ala519Val (NM_001042682.2); c.3218C>T, p.Ala1073Val (NM_012102.4); short protein forms A1073V, A519V.
Identifiers: ClinVar variation 4681482 (VCV004681482.5).

ClinVar aggregate classification (germline): Likely benign (1 of 4 stars; one submission).

gnomAD v4.1: 46 of 1,557,334 alleles (0.003%); highest among the groups gnomAD compares: South Asian, 0.018%; no homozygotes.

Submission:

CeGaT Center for Human Genetics Tuebingen
Classification: Likely benign. Last evaluated: 2025-12-01. Review status: criteria provided, single submitter. Criteria: CeGaT Center For Human Genetics Tuebingen Variant Classification Criteria Version 2. Collection method: clinical testing. Allele origin: germline. Affected: yes. Observed: 1 variant allele.
Comment: RERE: BP4, BS2